The following is an entry in ClinVar:

ClinVar aggregate classification (germline): Pathogenic. Review status: reviewed by expert panel (3 of 4 stars). 2 submissions from 2 submitters: Pathogenic (1). 1 of the submissions does not count toward it. Last evaluated 2024-02-20.

Conditions:
Leber congenital amaurosis 2 (LCA2). Also called: AMAUROSIS CONGENITA OF LEBER II; Autosomal Recessive RPE65-Related Retinal Degeneration. Identifiers: Orphanet 65, MedGen C1859844, MONDO:0008765, OMIM 204100. Disease mechanism: loss of function.
Retinitis pigmentosa 20 (RP20). Identifiers: Orphanet 791, MedGen C3151086, MONDO:0013425, OMIM 613794.
Retinitis pigmentosa 87 with choroidal involvement. Identifiers: MedGen C5231465, MONDO:0032873, OMIM 618697.
RPE65-related recessive retinopathy. Also called: Recessive RPE65 retinopathy. Identifiers: MedGen CN305526, MONDO:0100368.

Allele frequency attached by ClinVar (database versions not stated): gnomAD exomes below 0.00001.

Submissions (2):

ClinGen Leber Congenital Amaurosis/early Onset Retinal Dystrophy Variant Curation Expert Panel, ClinGen
Classification: Pathogenic for RPE65-related recessive retinopathy. Last evaluated: 2024-02-20. Review status: reviewed by expert panel. Criteria: ClinGen LCAeoRD ACMG Specifications RPE65 V1.0.0. Collection method: curation. Allele origin: germline. Inheritance: Autosomal recessive inheritance.
Comment: NM_000329.3(RPE65):c.1336dup (p.Arg446LysfsTer4) is a frameshift variant that introduces a premature stop codon into exon 12 of 14, and is predicted to lead to nonsense-mediated decay in a gene in which loss-of-function is an established mechanism of disease (PVS1). This variant is absent from gnomAD v2.1.1 (PM2_Supporting). This variant has been reported in at least 3 unrelated probands with early-onset severe retinal dystrophy who were homozygous for the variant (1 pt, PMID: 30268864, PM3). In summary, this variant meets the criteria to be classified as pathogenic for RPE65-related recessive retinopathy based on the ACMG/AMP criteria applied, as specified by the ClinGen LCA / eoRD VCEP: PVS1, PM2_supporting, PM3. (VCEP specifications version 1.0.0; date of approval 09/21/2023).

Fulgent Genetics
Classification: Pathogenic for Leber congenital amaurosis 2; Retinitis pigmentosa 20; Retinitis pigmentosa 87 with choroidal involvement. Last evaluated: 2024-02-28. Review status: criteria provided, single submitter. Criteria: ACMG Guidelines, 2015. Collection method: clinical testing. Allele origin: germline. Not counted in ClinVar's aggregate classification.

NM_000329.3(RPE65):c.1336dup (p.Arg446fs)

Gene: RPE65 (retinoid isomerohydrolase RPE65; minus strand). Cytogenetic location: 1p31.3.
Variant type: Duplication.
Coding change: c.1336dup on transcript NM_000329.3 (MANE Select); coding-DNA position 1336, one base duplicated (A; older notation c.1336dupA).
Protein change: p.Arg446fs; shifts the reading frame from arginine 446.
Molecular consequence: frameshift variant.
Genome position (GRCh38, 1-based): chr1:68,431,284, T duplicated on the plus strand (A on the coding strand, the reverse complement: RPE65 is on the minus strand). VCF-style (leftmost placement, unchanged base first): chr1-68431283-C-CT. GRCh37 (hg19) VCF-style: chr1-68896966-C-CT.
Other names: NM_000329.3:c.1336dup; c.1228dup, p.Arg410fs (NM_001406853.1); c.1060dup, p.Arg354fs (NM_001406856.1, NM_001406857.1); short protein forms R410fs, R354fs, R446fs.
Identifiers: ClinVar variation 3024118 (VCV003024118.2), dbSNP rs2523402528, ClinGen allele CA2580612187.